The following is an entry in ClinVar:

NM_032737.4(LMNB2):c.1026G>A (p.Met342Ile)

Gene: LMNB2 (lamin B2; minus strand). Cytogenetic location: 19p13.3.
Variant type: single nucleotide variant.
Coding change: c.1026G>A on transcript NM_032737.4 (MANE Select); coding-DNA position 1026, G replaced by A.
Protein change: p.Met342Ile; replaces methionine 342 with isoleucine.
Molecular consequence: missense variant.
Genome position (GRCh38, 1-based): chr19:2,434,471, C>T on the plus strand (G>A on the coding strand, the complement: LMNB2 is on the minus strand). VCF-style: chr19-2434471-C-T. GRCh37 (hg19) VCF-style: chr19-2434469-C-T.
Other names: short protein forms M342I.
Identifiers: ClinVar variation 1495563 (VCV001495563.8), dbSNP rs2145448355, ClinGen allele CA403254219.

ClinVar aggregate classification (germline): Uncertain significance (1 of 4 stars; one submission).

Conditions:
Lipodystrophy, partial, acquired, susceptibility to (APLD). Also called: APLD, SUSCEPTIBILITY TO. Identifiers: MedGen C3887501, MONDO:0100476, OMIM 608709.
Progressive myoclonic epilepsy type 9. Identifiers: Orphanet 457265, MedGen C4225289, MONDO:0014685, OMIM 616540.

Allele frequency attached by ClinVar (database versions not stated): gnomAD exomes below 0.00001.
gnomAD v4.1: 1 of 1,613,314 alleles (0.000062%); highest among the groups gnomAD compares: Non-Finnish European, 0.000085%; no homozygotes.

Submission:

Labcorp Genetics (formerly Invitae), Labcorp
Classification: Uncertain significance for Progressive myoclonic epilepsy type 9; Lipodystrophy, partial, acquired, susceptibility to. Last evaluated: 2021-02-14. Review status: criteria provided, single submitter. Criteria: Invitae Variant Classification Sherloc (09022015). Collection method: clinical testing. Allele origin: germline.
Comment: In summary, the available evidence is currently insufficient to determine the role of this variant in disease. Therefore, it has been classified as a Variant of Uncertain Significance. Algorithms developed to predict the effect of missense changes on protein structure and function (SIFT, PolyPhen-2, Align-GVGD) all suggest that this variant is likely to be tolerated, but these predictions have not been confirmed by published functional studies and their clinical significance is uncertain. This variant has not been reported in the literature in individuals with LMNB2-related conditions. This variant is not present in population databases (ExAC no frequency). This sequence change replaces methionine with isoleucine at codon 342 of the LMNB2 protein (p.Met342Ile). The methionine residue is weakly conserved and there is a small physicochemical difference between methionine and isoleucine.